The following is an entry in ClinVar:

ClinVar aggregate classification (germline): Conflicting classifications of pathogenicity. Review status: criteria provided, conflicting classifications (1 of 4 stars). 5 submissions from 5 submitters: Uncertain significance (2); Likely benign (2). 1 of the submissions does not count toward it. Last evaluated 2024-08-28.

Conditions:
Hereditary cancer-predisposing syndrome. Also called: Hereditary Cancer Syndrome; Neoplastic Syndromes, Hereditary; Hereditary neoplastic syndrome; Tumor predisposition. Identifiers: Orphanet 140162, MedGen C0027672, MeSH D009386, MONDO:0015356.
Hereditary breast ovarian cancer syndrome. Also called: Breast and ovarian cancer; Hereditary breast and/or ovarian cancer syndrome; Hereditary breast and ovarian cancer; Hereditary breast and ovarian cancer syndrome; Hereditary breast and ovarian cancer syndrome (HBOC); BRCA1- and BRCA2-Associated Hereditary Breast and Ovarian Cancer. Identifiers: Orphanet 145, MedGen C0677776, MeSH D061325, MONDO:0003582. Disease mechanism: loss of function.
Breast-ovarian cancer, familial, susceptibility to, 2 (BROVCA2). Also called: BRCA2 Hereditary Breast and Ovarian Cancer. Identifiers: Orphanet 145, MedGen C2675520, MONDO:0012933, OMIM 612555. Disease mechanism: loss of function.

Allele frequency attached by ClinVar (database versions not stated): TOPMed below 0.00001.
gnomAD v4.1: 1 of 1,614,216 alleles (0.000062%); no homozygotes.

Submissions (5):

Labcorp Genetics (formerly Invitae), Labcorp
Classification: Likely benign for Hereditary breast ovarian cancer syndrome. Last evaluated: 2024-08-28. Review status: criteria provided, single submitter. Criteria: Invitae Variant Classification Sherloc (09022015). Collection method: clinical testing. Allele origin: germline.

Color Diagnostics, LLC DBA Color Health
Classification: Uncertain significance for Hereditary cancer-predisposing syndrome. Last evaluated: 2021-07-07. Review status: criteria provided, single submitter. Criteria: ACMG Guidelines, 2015. Collection method: clinical testing. Allele origin: germline.
Comment: This missense variant replaces threonine with alanine at codon 3388 of the BRCA2 protein. Computational prediction suggests that this variant may not impact protein structure and function (internally defined REVEL score threshold <= 0.5, PMID: 27666373). To our knowledge, functional studies have not been reported for this variant. This variant has not been reported in individuals affected with hereditary cancer in the literature. This variant has not been identified in the general population by the Genome Aggregation Database (gnomAD). The available evidence is insufficient to determine the role of this variant in disease conclusively. Therefore, this variant is classified as a Variant of Uncertain Significance.

Ambry Genetics
Classification: Likely benign for Hereditary cancer-predisposing syndrome. Last evaluated: 2019-04-27. Review status: criteria provided, single submitter. Criteria: Ambry Variant Classification Scheme 2023. Collection method: clinical testing. Allele origin: germline.

Women's Health and Genetics/Laboratory Corporation of America, LabCorp
Classification: Uncertain significance. Last evaluated: 2016-04-04. Review status: criteria provided, single submitter. Criteria: LabCorp Variant Classification Summary - May 2015. Collection method: clinical testing. Allele origin: germline.
Comment: Variant Summary: Variant of interest impacts a non-conserved nucleotide and results in a replacement of a medium size and polar Threonine (T) with a small size and hydrophobic Alanine (A). 3/4 in silico tools predict the variant to be benign, and to our knowledge studies assessing the impact of the variant in isolation on the function of the protein were not published at the time of variant classification. It is absent from the large and broad cohorts of the ExAC project and has not been cited in patients from the literature. However, a nonsense BRCA2 variant located upstream of the variant of interest (p.Lys3326Ter) is a well know benign variant, indicating that Thr3388 is a non-essential amino acid for BRCA2 function, and thus p.Thr3388Ala is likely in the benign spectrum. Moreover, a clinical laboratory classified the variant as Likely benign via ClinVar (without evidence to independently evaluate). Considering all evidence, the variant was classified as a VUS-possibly benign/benign until more information becomes available.

Sharing Clinical Reports Project (SCRP)
Classification: Likely benign for Breast-ovarian cancer, familial 2. Last evaluated: 2012-05-01. Review status: no assertion criteria provided. Collection method: clinical testing. Allele origin: germline. Not counted in ClinVar's aggregate classification.

Literature cited by the submitters: PubMed 25451944 (cited by Women's Health and Genetics/Laboratory Corporation of America, LabCorp).

NM_000059.4(BRCA2):c.10162A>G (p.Thr3388Ala)

Gene: BRCA2 (BRCA2 DNA repair associated; plus strand). Cytogenetic location: 13q13.1.
Variant type: single nucleotide variant.
Coding change: c.10162A>G on transcript NM_000059.4 (MANE Select); coding-DNA position 10162, A replaced by G.
Protein change: p.Thr3388Ala; replaces threonine 3388 with alanine.
Molecular consequence: missense variant.
Genome position (GRCh38, 1-based): chr13:32,398,675, A>G. VCF-style: chr13-32398675-A-G. GRCh37 (hg19) VCF-style: chr13-32972812-A-G.
Other names: 10390A>G; short protein forms T3388A.
Identifiers: ClinVar variation 96759 (VCV000096759.15), dbSNP rs431825278, ClinGen allele CA010402.